The following is an entry in ClinVar:

ClinVar aggregate classification (germline): Uncertain significance (1 of 4 stars; one submission).

Allele frequency attached by ClinVar (database versions not stated): gnomAD exomes below 0.00001.
gnomAD v4.1: 1 of 1,613,880 alleles (0.000062%); highest among the groups gnomAD compares: Non-Finnish European, 0.000085%; no homozygotes.

Submission:

Labcorp Genetics (formerly Invitae), Labcorp
Classification: Uncertain significance. Last evaluated: 2023-01-30. Review status: criteria provided, single submitter. Criteria: Invitae Variant Classification Sherloc (09022015). Collection method: clinical testing. Allele origin: germline.
Comment: This sequence change replaces proline, which is neutral and non-polar, with leucine, which is neutral and non-polar, at codon 321 of the FLNB protein (p.Pro321Leu). This variant is not present in population databases (gnomAD no frequency). This variant has not been reported in the literature in individuals affected with FLNB-related conditions. Advanced modeling of protein sequence and biophysical properties (such as structural, functional, and spatial information, amino acid conservation, physicochemical variation, residue mobility, and thermodynamic stability) performed at Invitae indicates that this missense variant is not expected to disrupt FLNB protein function. In summary, the available evidence is currently insufficient to determine the role of this variant in disease. Therefore, it has been classified as a Variant of Uncertain Significance.

NM_001457.4(FLNB):c.962C>T (p.Pro321Leu)

Gene: FLNB (filamin B; plus strand). Cytogenetic location: 3p14.3.
Variant type: single nucleotide variant.
Coding change: c.962C>T on transcript NM_001457.4 (MANE Select); coding-DNA position 962, C replaced by T.
Protein change: p.Pro321Leu; replaces proline 321 with leucine.
Molecular consequence: missense variant.
Genome position (GRCh38, 1-based): chr3:58,096,196, C>T. VCF-style: chr3-58096196-C-T. GRCh37 (hg19) VCF-style: chr3-58081923-C-T.
Other names: c.962C>T, p.Pro321Leu (NM_001164317.2, NM_001164318.2, NM_001164319.2); short protein forms P321L.
Identifiers: ClinVar variation 2989565 (VCV002989565.3), dbSNP rs2097238267, ClinGen allele CA353335404.